The following is an entry in ClinVar:

NM_001127511.3(APC):c.119G>C (p.Ser40Thr)

Gene: APC (APC regulator of Wnt signaling pathway; plus strand). Cytogenetic location: 5q22.2.
Variant type: single nucleotide variant.
Coding change: c.119G>C on transcript NM_001127511.3; coding-DNA position 119, G replaced by C.
Protein change: p.Ser40Thr; replaces serine 40 with threonine.
Molecular consequence: missense variant. On other transcripts: 5 prime UTR variant (8), non-coding transcript variant (1), intron variant (5).
Genome position (GRCh38, 1-based): chr5:112,707,836, G>C. VCF-style: chr5-112707836-G-C. GRCh37 (hg19) VCF-style: chr5-112043533-G-C.
Other names: c.119G>C (NM_001354897.1); c.-65G>C (NM_001354895.2, NM_001407447.1, NM_001407452.1 and 3 more transcripts); c.119G>C, p.Ser40Thr (NM_001354897.2, NM_001354902.2, NM_001407446.1); c.-1100G>C (NM_001407470.1, NM_001407472.1); c.-19+187G>C (NM_001407448.1, NM_001407450.1, NM_001407457.1 and 1 more transcripts); c.-43+187G>C (NM_001407453.1); short protein forms S40T.
Identifiers: ClinVar variation 133506 (VCV000133506.45), dbSNP rs587778028, ClinGen allele CA023283.

ClinVar aggregate classification (germline): Benign/Likely benign. Review status: criteria provided, multiple submitters, no conflicts (2 of 4 stars). 12 submissions from 12 submitters: Benign (1); Likely benign (5). 6 of the submissions do not count toward it. Last evaluated 2026-03-06.

Conditions:
APC-related disorder. Also called: APC-related condition.
Familial adenomatous polyposis 1 (FAP1). Also called: FAMILIAL ADENOMATOUS POLYPOSIS 1, ATTENUATED; POLYPOSIS, ADENOMATOUS INTESTINAL. Identifiers: MedGen C2713442, MONDO:0021056, OMIM 175100. Disease mechanism: loss of function.

Allele frequency attached by ClinVar (database versions not stated): gnomAD 0.00013; gnomAD exomes 0.00014; TOPMed 0.00014; ExAC 0.00008.
gnomAD v4.1: 205 of 1,370,422 alleles (0.015%); highest among the groups gnomAD compares: Non-Finnish European, 0.019%; no homozygotes.

Submissions (12):

Dasa
Classification: Likely benign. Last evaluated: 2026-03-06. Review status: criteria provided, single submitter. Criteria: DASA Assertion Criteria. Collection method: clinical testing. Allele origin: germline.
Comment: NM_001127511.3(APC):c.119G>C (p.Ser40Thr) is a missense variant that results in the substitution of serine with threonine. Multiple computational predictions suggest no deleterious effect on the gene or gene product. The variant is present at low frequency in population datasets. Based on the available data, this variant is classified as likely benign.

Labcorp Genetics (formerly Invitae), Labcorp
Classification: Likely benign for Familial adenomatous polyposis 1. Last evaluated: 2026-02-03. Review status: criteria provided, single submitter. Criteria: Invitae Variant Classification Sherloc (09022015). Collection method: clinical testing. Allele origin: germline.

Center for Genomic Medicine, Rigshospitalet, Copenhagen University Hospital
Classification: Likely benign. Last evaluated: 2025-03-04. Review status: criteria provided, single submitter. Criteria: ACMG Guidelines, 2015. Collection method: clinical testing. Allele origin: germline.

CeGaT Center for Human Genetics Tuebingen
Classification: Likely benign. Last evaluated: 2025-01-01. Review status: criteria provided, single submitter. Criteria: CeGaT Center For Human Genetics Tuebingen Variant Classification Criteria Version 2. Collection method: clinical testing. Allele origin: germline. Affected: yes. Observed: 1 variant allele.
Comment: APC: BP4

Blueprint Genetics
Classification: Likely benign. Last evaluated: 2024-09-10. Review status: criteria provided, single submitter. Criteria: ACMG Guidelines, 2015. Collection method: clinical testing. Allele origin: germline.

Mendelics
Classification: Benign for Familial adenomatous polyposis 1. Last evaluated: 2023-08-22. Review status: criteria provided, single submitter. Criteria: Mendelics Assertion Criteria 2019. Collection method: clinical testing. Allele origin: germline.

PreventionGenetics, part of Exact Sciences
Classification: Likely benign for APC-related condition. Last evaluated: 2024-05-06. Review status: no assertion criteria provided. Collection method: clinical testing. Allele origin: germline. Not counted in ClinVar's aggregate classification.
Comment: This variant is classified as likely benign based on ACMG/AMP sequence variant interpretation guidelines (Richards et al. 2015 PMID: 25741868, with internal and published modifications).

Counsyl
Classification: Uncertain significance for Familial adenomatous polyposis 1. Last evaluated: 2017-08-30. Review status: no assertion criteria provided. Collection method: clinical testing. Allele origin: unknown. Not counted in ClinVar's aggregate classification.

ITMI
No classification provided. Condition: AllHighlyPenetrant. Last evaluated: 2013-09-19. Review status: no classification provided. Collection method: reference population. Allele origin: germline. Not counted in ClinVar's aggregate classification.
Comment: Please see associated publication for description of ethnicities

Clinical Genetics, Academic Medical Center
Classification: Likely benign. Review status: no assertion criteria provided. Collection method: clinical testing. Allele origin: germline. Affected: yes. Study: VKGL Data-share Consensus. Not counted in ClinVar's aggregate classification.

Joint Genome Diagnostic Labs from Nijmegen and Maastricht, Radboudumc and MUMC+
Classification: Likely benign. Review status: no assertion criteria provided. Collection method: clinical testing. Allele origin: germline. Affected: yes. Study: VKGL Data-share Consensus. Not counted in ClinVar's aggregate classification.

Laboratory of Diagnostic Genome Analysis, Leiden University Medical Center (LUMC)
Classification: Likely benign. Review status: no assertion criteria provided. Collection method: clinical testing. Allele origin: germline. Affected: yes. Study: VKGL Data-share Consensus. Not counted in ClinVar's aggregate classification.

Literature cited by the submitters: PubMed 24728327 (cited by Counsyl and ITMI).